The following is an entry in ClinVar:

ClinVar aggregate classification (germline): Pathogenic (1 of 4 stars; one submission).

Conditions:
Hereditary thrombocytopenia and hematological cancer predisposition syndrome associated with RUNX1. Also called: Familial Platelet Disorder with Propensity to Acute Myelogenous Leukemia; Familial thrombocytopenia with propensity to acute myelogenous leukemia; RUNX1 Familial Platelet Disorder with Associated Myeloid Malignancies; PLATELET DISORDER, ASPIRIN-LIKE. Identifiers: Orphanet 71290, MedGen C1832388, MeSH C563324, MONDO:0100083, OMIM 601399.

Submission:

Labcorp Genetics (formerly Invitae), Labcorp
Classification: Pathogenic for Hereditary thrombocytopenia and hematological cancer predisposition syndrome associated with RUNX1. Last evaluated: 2021-08-03. Review status: criteria provided, single submitter. Criteria: Invitae Variant Classification Sherloc (09022015). Collection method: clinical testing. Allele origin: germline.
Comment: This variant is a gross deletion of the genomic region encompassing exons 1-2 of the RUNX1 gene, which includes the initiator codon. The 5' end of this event is unknown as it extends beyond the assayed region for this gene and therefore may encompass additional genes. The 3' boundary is likely confined to intron 2 of the RUNX1 gene. This is expected to result in an absent or disrupted protein product. This variant has not been reported in the literature in individuals with RUNX1-related disease. Loss-of-function variants in RUNX1 are known to be pathogenic (PMID: 18723428, 24100448). For these reasons, this variant has been classified as Pathogenic.

Literature cited by the submitters: PubMed 18723428; PubMed 24100448.

NC_000021.9:g.(?_35048832)_(35049298_?)del

Genes: RUNX1 (RUNX family transcription factor 1; minus strand), LOC130066607 (ATAC-STARR-seq lymphoblastoid active region 18417; plus strand). Cytogenetic location: 21q22.12.
Variant type: Deletion.
Identifiers: ClinVar variation 650703 (VCV000650703.6).